The following is an entry in ClinVar:

NM_003000.3(SDHB):c.269G>A (p.Arg90Gln)

Gene: SDHB (succinate dehydrogenase complex iron sulfur subunit B; minus strand). Cytogenetic location: 1p36.13.
Variant type: single nucleotide variant.
Coding change: c.269G>A on transcript NM_003000.3 (MANE Select); coding-DNA position 269, G replaced by A.
Protein change: p.Arg90Gln; replaces arginine 90 with glutamine.
Molecular consequence: missense variant.
Genome position (GRCh38, 1-based): chr1:17,033,077, C>T on the plus strand (G>A on the coding strand, the complement: SDHB is on the minus strand). VCF-style: chr1-17033077-C-T. GRCh37 (hg19) VCF-style: chr1-17359572-C-T.
Other names: short protein forms R90Q.
Identifiers: ClinVar variation 201609 (VCV000201609.43), dbSNP rs570278423, ClinGen allele CA015654.
Genomic context (GRCh38, chr1:17,033,077, plus strand): 5'-AAGACCACAAGTATCTGGAGCCCAACAGGAATGAAATGCTCACCTTCTCTGCATGATCTT[C>T]GGAAGGTCAAAGTAGAGTCAACTTCATTCTTAATCTTGATTAAAGCATCCAATACCATGG-3'
Protein context (NP_002991.2, residues 80-100): KNEVDSTLTF[Arg90Gln]RSCREGICGS

ClinVar aggregate classification (germline): Conflicting classifications of pathogenicity. Review status: criteria provided, conflicting classifications (1 of 4 stars). 12 submissions from 12 submitters: Likely pathogenic (3); Uncertain significance (7). 2 of the submissions do not count toward it. Last evaluated 2026-05-18.

Conditions:
Gastrointestinal stromal tumor. Also called: Gastrointestinal stromal tumor, somatic; Gastrointestinal stroma tumor. Identifiers: Orphanet 44890, MedGen C0238198, MeSH D046152, MONDO:0011719, OMIM 606764, HP:0100723.
Pheochromocytoma. Also called: MAX-Related Hereditary Paraganglioma-Pheochromocytoma Syndrome. Identifiers: Orphanet 29072, MedGen C0031511, MONDO:0008233, OMIM 171300, HP:0002666.
Pheochromocytoma/paraganglioma syndrome 4. Also called: SDHB-Related Hereditary Paraganglioma-Pheochromocytoma Syndrome; Paragangliomas 4; CAROTID BODY TUMORS AND MULTIPLE EXTRAADRENAL PHEOCHROMOCYTOMAS; PARAGANGLIOMA, FAMILIAL MALIGNANT; PARAGANGLIOMAS, HEREDITARY EXTRAADRENAL; PHEOCHROMOCYTOMA, FAMILIAL EXTRAADRENAL. Identifiers: Orphanet 29072, MedGen C1861848, MONDO:0007273, OMIM 115310.
Hereditary cancer-predisposing syndrome. Also called: Neoplastic Syndromes, Hereditary; Tumor predisposition; Hereditary Cancer Syndrome; Hereditary neoplastic syndrome. Identifiers: Orphanet 140162, MedGen C0027672, MeSH D009386, MONDO:0015356.
Hereditary pheochromocytoma and paraganglioma. Also called: Hereditary Paraganglioma-Pheochromocytoma Syndromes; Hereditary paragangliomas and pheochromocytomas; Hereditary pheochromocytoma-paraganglioma. Identifiers: Orphanet 29072, MedGen C4274332, MONDO:0017366.
bilateral breast cancer. Identifiers: MedGen CN235586.

Allele frequency attached by ClinVar (database versions not stated): ExAC 0.00001; gnomAD exomes 0.00001 and 0.00002; TOPMed 0.00002; gnomAD 0.00004; 1000 Genomes Project 30x 0.00016; 1000 Genomes Project 0.00020.
gnomAD v4.1: 38 of 1,613,296 alleles (0.0024%); highest among the groups gnomAD compares: Middle Eastern, 0.016%; no homozygotes.

Submissions 1 to 8 of 12:

Ambry Genetics
Classification: Uncertain significance for Hereditary cancer-predisposing syndrome. Last evaluated: 2026-05-18. Review status: criteria provided, single submitter. Criteria: Ambry Variant Classification Scheme 2023. Collection method: clinical testing. Allele origin: germline.
Comment: The p.R90Q variant (also known as c.269G>A), located in coding exon 3 of the SDHB gene, results from a G to A substitution at nucleotide position 269. The arginine at codon 90 is replaced by glutamine, an amino acid with highly similar properties. This variant has been reported in several individuals with a paraganglioma (Castellano M et al. Ann. N. Y. Acad. Sci., 2006 Aug;1073:156-65; Neumann HP et al. Cancer Res., 2009 Apr;69:3650-6; Hermsen MA et al. Cell. Oncol., 2010 Jan;32:275-83; Curr&aacute;s-Freixes M et al. J Med Genet, 2015 Oct;52:647-56). At our laboratory, the variant has been detected in over 20 individuals; none of them reported to have a paraganglioma (Ambry internal data). This variant was also detected in an individual a gastrointestinal stromal tumor, which retained SDHB expression on immunostaining (Klinke OK et al. PLoS One, 2015 Jun;10:e0130149). One functional study demonstrated that the yeast equivalent of this variant moderately impairs succinate dehydrogenase function (Panizza E et al. Hum Mol Genet, 2013 Feb;22:804-15). This amino acid position is highly conserved in available vertebrate species. In addition, this alteration is predicted to be deleterious by in silico analysis. Based on the available evidence, the clinical significance of this variant remains unclear.

Myriad Genetics, Inc.
Classification: Likely pathogenic for Pheochromocytoma/paraganglioma syndrome 4. Last evaluated: 2026-02-26. Review status: criteria provided, single submitter. Criteria: Myriad Autosomal Dominant, Autosomal Recessive and X-Linked Classification Criteria (2023). Collection method: clinical testing. Allele origin: unknown.
Comment: This variant is considered likely pathogenic. This variant has been reported in multiple individuals with clinical features of gene-specific disease [PMID: 22977270, 32460727, 17102082, 34906457]. Functional studies indicate this variant impacts protein function [PMID: 41252211].

Color Diagnostics, LLC DBA Color Health
Classification: Uncertain significance for Hereditary pheochromocytoma and paraganglioma. Last evaluated: 2025-09-04. Review status: criteria provided, single submitter. Criteria: ACMG Guidelines, 2015. Collection method: clinical testing. Allele origin: germline.
Comment: This missense variant replaces arginine with glutamine at codon 90 of the SDHB protein. Computational prediction suggests that this variant may have deleterious impact on protein structure and function. Functional complementation studies in yeast have reported mildly impaired SDHB protein function (PMID: 23175444). This variant has been reported in individuals affected with hereditary paranganglioma-pheochromocytoma syndrome in the literature (PMID: 17102082, 19351833, 20208144, 26102504 , 26269449, 30549360, 31216007), but has also been reported in unaffected individuals (ClinVar Variation ID: VCV000201609, SCV000581189.5). This variant has been identified in 3/282738 chromosomes in the general population by the Genome Aggregation Database (gnomAD). The available evidence is insufficient to determine the role of this variant in disease conclusively. Therefore, this variant is classified as a Variant of Uncertain Significance.

Labcorp Genetics (formerly Invitae), Labcorp
Classification: Likely pathogenic for Gastrointestinal stromal tumor; Pheochromocytoma/paraganglioma syndrome 4; Pheochromocytoma. Last evaluated: 2025-06-09. Review status: criteria provided, single submitter. Criteria: Invitae Variant Classification Sherloc (09022015). Collection method: clinical testing. Allele origin: germline.
Comment: This sequence change replaces arginine, which is basic and polar, with glutamine, which is neutral and polar, at codon 90 of the SDHB protein (p.Arg90Gln). This variant is present in population databases (rs570278423, gnomAD 0.008%). This missense change has been observed in individuals with breast cancer and/or paraganglioma-pheochromocytoma syndromes (PMID: 17102082, 19351833, 20208144, 21520333, 26269449, 33558524, 34906457). ClinVar contains an entry for this variant (Variation ID: 201609). Invitae Evidence Modeling of protein sequence and biophysical properties (such as structural, functional, and spatial information, amino acid conservation, physicochemical variation, residue mobility, and thermodynamic stability) indicates that this missense variant is expected to disrupt SDHB protein function with a positive predictive value of 80%. Experimental studies have shown that this missense change affects SDHB function (PMID: 23175444). RNA analysis performed to evaluate the impact of this missense change on mRNA splicing indicates it does not significantly alter splicing (internal data). In summary, the currently available evidence indicates that the variant is pathogenic, but additional data are needed to prove that conclusively. Therefore, this variant has been classified as Likely Pathogenic.

CeGaT Center for Human Genetics Tuebingen
Classification: Uncertain significance. Last evaluated: 2024-09-01. Review status: criteria provided, single submitter. Criteria: CeGaT Center For Human Genetics Tuebingen Variant Classification Criteria Version 2. Collection method: clinical testing. Allele origin: germline. Affected: yes. Observed: 1 variant allele.
Comment: SDHB: PM5, PM2:Supporting, PS3:Supporting, PS4:Supporting

All of Us Research Program, National Institutes of Health
Classification: Uncertain significance for Hereditary pheochromocytoma and paraganglioma. Last evaluated: 2024-07-29. Review status: criteria provided, single submitter. Criteria: ACMG Guidelines, 2015. Collection method: clinical testing. Allele origin: germline. Inheritance: Autosomal dominant inheritance. Observed: 3 variant alleles, 3 heterozygotes.
Comment: This missense variant replaces arginine with glutamine at codon 90 of the SDHB protein. Computational prediction suggests that this variant may have deleterious impact on protein structure and function (internally defined REVEL score threshold >= 0.7, PMID: 27666373). Functional complementation studies in yeast have reported mildly impaired SDHB protein function (PMID: 23175444). This variant has been reported in individuals affected with hereditary paranganglioma-pheochromocytoma syndrome in the literature (PMID: 17102082, 19351833, 20208144, 26102504 , 26269449, 30549360, 31216007), but has also been reported in unaffected individuals (ClinVar Variation ID: VCV000201609, SCV000581189.5). This variant has been identified in 3/282738 chromosomes in the general population by the Genome Aggregation Database (gnomAD). The available evidence is insufficient to determine the role of this variant in disease conclusively. Therefore, this variant is classified as a Variant of Uncertain Significance.

This study involves interpretation of variants in research participants for the purpose of population health screening. Participant phenotype was not available at the time of variant classification. Additional details can be found in publication PMID: 35346344, PMCID: PMC8962531

Baylor Genetics
Classification: Uncertain significance for Gastrointestinal stromal tumor. Last evaluated: 2024-02-15. Review status: criteria provided, single submitter. Criteria: ACMG Guidelines, 2015. Collection method: clinical testing. Allele origin: unknown.

Institute for Genomic Medicine (IGM) Clinical Laboratory, Nationwide Children's Hospital
Classification: Uncertain significance for Pheochromocytoma/paraganglioma syndrome 4. Last evaluated: 2023-05-26. Review status: criteria provided, single submitter. Criteria: ACMG Guidelines, 2015. Collection method: clinical testing. Allele origin: germline.
Comment: This variant is absent from or present at an exceedingly low frequency in gnomAD, a large-scale control population database (ACMG/AMP: PM2). This variant is predicted to alter protein function or structure, or disrupt splicing by multiple in silico tools (ACMG/AMP: PP3).